The following is an entry in ClinVar:

ClinVar aggregate classification (germline): Uncertain significance (1 of 4 stars; one submission).

Conditions:
Emery-Dreifuss muscular dystrophy 5, autosomal dominant (EDMD5). Also called: EMERY-DREIFUSS MUSCULAR DYSTROPHY 5. Identifiers: Orphanet 261, MedGen C2751805, MONDO:0013072, OMIM 612999.

Allele frequency attached by ClinVar (database versions not stated): gnomAD exomes 0.00001 and 0.00003; ExAC 0.00002; TOPMed 0.00002; gnomAD 0.00003.
gnomAD v4.1: 22 of 1,614,088 alleles (0.0014%); highest among the groups gnomAD compares: Admixed American, 0.015%; no homozygotes.

Submission:

Labcorp Genetics (formerly Invitae), Labcorp
Classification: Uncertain significance for Emery-Dreifuss muscular dystrophy 5, autosomal dominant. Last evaluated: 2025-04-29. Review status: criteria provided, single submitter. Criteria: Invitae Variant Classification Sherloc (09022015). Collection method: clinical testing. Allele origin: germline.
Comment: This sequence change replaces valine, which is neutral and non-polar, with methionine, which is neutral and non-polar, at codon 1505 of the SYNE2 protein (p.Val1505Met). This variant is present in population databases (rs542064510, gnomAD 0.01%). This variant has not been reported in the literature in individuals affected with SYNE2-related conditions. ClinVar contains an entry for this variant (Variation ID: 835403). An algorithm developed to predict the effect of missense changes on protein structure and function (PolyPhen-2) suggests that this variant is likely to be disruptive. In summary, the available evidence is currently insufficient to determine the role of this variant in disease. Therefore, it has been classified as a Variant of Uncertain Significance.

NM_182914.3(SYNE2):c.4513G>A (p.Val1505Met)

Gene: SYNE2 (spectrin repeat containing nuclear envelope protein 2; plus strand). Cytogenetic location: 14q23.2.
Variant type: single nucleotide variant.
Coding change: c.4513G>A on transcript NM_182914.3 (MANE Select); coding-DNA position 4513, G replaced by A.
Protein change: p.Val1505Met; replaces valine 1505 with methionine.
Molecular consequence: missense variant.
Genome position (GRCh38, 1-based): chr14:64,007,158, G>A. VCF-style: chr14-64007158-G-A. GRCh37 (hg19) VCF-style: chr14-64473876-G-A.
Other names: c.4513G>A, p.Val1505Met (NM_015180.6); short protein forms V1505M.
Identifiers: ClinVar variation 835403 (VCV000835403.9), dbSNP rs542064510, ClinGen allele CA7220231.